The following is an entry in ClinVar:

ClinVar aggregate classification (germline): Benign. Review status: criteria provided, multiple submitters, no conflicts (2 of 4 stars). 5 submissions from 5 submitters: Benign (2). 3 of the submissions do not count toward it. Last evaluated 2026-02-04.

Conditions:
ZNF423-related disorder. Also called: ZNF423-related condition.
Nephronophthisis 14 (NPHP14). Identifiers: Orphanet 2318, MedGen C3539071, MONDO:0013916, OMIM 614844.

Allele frequency attached by ClinVar (database versions not stated): ESP Exome Variant Server 0.00162; TOPMed 0.00224; gnomAD exomes 0.00244 and 0.00393; gnomAD 0.00178 and 0.00204; 1000 Genomes Project 30x 0.00328; ExAC 0.00437; 1000 Genomes Project 0.00399.
gnomAD v4.1: 3,869 of 1,604,076 alleles (0.24%); highest among the groups gnomAD compares: East Asian, 1.5%; 22 homozygotes.

Submissions (5):

Labcorp Genetics (formerly Invitae), Labcorp
Classification: Benign for Nephronophthisis 14. Last evaluated: 2026-02-04. Review status: criteria provided, single submitter. Criteria: Invitae Variant Classification Sherloc (09022015). Collection method: clinical testing. Allele origin: germline.

Genome-Nilou Lab
Classification: Benign for Nephronophthisis 14. Last evaluated: 2021-12-05. Review status: criteria provided, single submitter. Criteria: ACMG Guidelines, 2015. Collection method: clinical testing. Allele origin: germline. Affected: no.

PreventionGenetics, part of Exact Sciences
Classification: Benign for ZNF423-related condition. Last evaluated: 2019-06-20. Review status: no assertion criteria provided. Collection method: clinical testing. Allele origin: germline. Not counted in ClinVar's aggregate classification.
Comment: This variant is classified as benign based on ACMG/AMP sequence variant interpretation guidelines (Richards et al. 2015 PMID: 25741868, with internal and published modifications).

Clinical Genetics, Academic Medical Center
Classification: Benign. Review status: no assertion criteria provided. Collection method: clinical testing. Allele origin: germline. Affected: yes. Study: VKGL Data-share Consensus. Not counted in ClinVar's aggregate classification.

Genome Diagnostics Laboratory, University Medical Center Utrecht
Classification: Likely benign. Review status: no assertion criteria provided. Collection method: clinical testing. Allele origin: germline. Affected: yes. Study: VKGL Data-share Consensus. Not counted in ClinVar's aggregate classification.

NM_001379286.1(ZNF423):c.312C>T (p.Asp104=)

Gene: ZNF423 (zinc finger protein 423; minus strand). Cytogenetic location: 16q12.1.
Variant type: single nucleotide variant.
Coding change: c.312C>T on transcript NM_001379286.1 (MANE Select); coding-DNA position 312, C replaced by T.
Protein change: p.Asp104=; no amino-acid change (aspartic acid 104 retained).
Molecular consequence: synonymous variant. On other transcripts: 5 prime UTR variant (1).
Genome position (GRCh38, 1-based): chr16:49,638,864, G>A on the plus strand (C>T on the coding strand, the complement: ZNF423 is on the minus strand). VCF-style: chr16-49638864-G-A. GRCh37 (hg19) VCF-style: chr16-49672775-G-A.
Other names: c.108C>T, p.Asp36= (NM_001271620.2); c.-64C>T (NM_001330533.2); c.288C>T, p.Asp96= (NM_015069.5); c.288C>T (NM_015069.4).
Identifiers: ClinVar variation 260531 (VCV000260531.17), dbSNP rs117266679, ClinGen allele CA8046895.